The following is an entry in ClinVar:

NM_001291540.2(CT45A9):c.403C>T (p.Arg135Ter)

Gene: CT45A9 (cancer/testis antigen family 45 member A9; minus strand). Cytogenetic location: Xq26.3.
Variant type: single nucleotide variant.
Coding change: c.403C>T on transcript NM_001291540.2 (MANE Select); coding-DNA position 403, C replaced by T.
Protein change: p.Arg135Ter; replaces arginine 135 with a stop codon.
Molecular consequence: nonsense.
Genome position (GRCh38, 1-based): chrX:135,865,740, G>A on the plus strand (C>T on the coding strand, the complement: CT45A9 is on the minus strand). VCF-style: chrX-135865740-G-A. GRCh37 (hg19) VCF-style: chrX-134947922-G-A.
Other names: c.403C>T, p.Arg135Ter (NM_001321271.1); short protein forms R135*.
Identifiers: ClinVar variation 4813103 (VCV004813103.1).

ClinVar aggregate classification (germline): Uncertain significance (1 of 4 stars; one submission).

Conditions:
Congenital portosystemic shunt. Identifiers: Orphanet 480531, MedGen C1290495, MONDO:0018811.

Submission:

Department of Pediatrics, Graduate School of Medical Sciences, Kyushu University
Classification: Uncertain significance for Congenital portosystemic shunt. Last evaluated: 2026-02-27. Review status: criteria provided, single submitter. Criteria: ACMG Guidelines, 2015. Collection method: research. Allele origin: germline. Affected: yes.
Comment: The variant is rare in population databases. Although loss-of-function variants in this gene have been reported in other disorders, an association between this gene and CPSS has not been established. Therefore, the clinical significance of this variant in relation to CPSS is currently classified as a variant of uncertain significance (VUS).